The following is an entry in ClinVar:

ClinVar aggregate classification (germline): Uncertain significance (1 of 4 stars; one submission).

Conditions:
Norman-Roberts syndrome (LIS2). Also called: Lissencephaly 2 (Norman-Roberts type). Identifiers: Orphanet 89844, MedGen C0796089, MONDO:0009760, OMIM 257320.
Familial temporal lobe epilepsy 7. Identifiers: Orphanet 101046, MedGen C4225327, MONDO:0014639, OMIM 616436.

gnomAD v4.1: 5 of 1,613,684 alleles (0.00031%); highest among the groups gnomAD compares: African/African-American, 0.004%; no homozygotes.

Submission:

Labcorp Genetics (formerly Invitae), Labcorp
Classification: Uncertain significance for Familial temporal lobe epilepsy 7; Norman-Roberts syndrome. Last evaluated: 2025-06-17. Review status: criteria provided, single submitter. Criteria: Invitae Variant Classification Sherloc (09022015). Collection method: clinical testing. Allele origin: germline.
Comment: This sequence change replaces aspartic acid, which is acidic and polar, with histidine, which is basic and polar, at codon 1044 of the RELN protein (p.Asp1044His). This variant is not present in population databases (gnomAD no frequency). This variant has not been reported in the literature in individuals affected with RELN-related conditions. Invitae Evidence Modeling of protein sequence and biophysical properties (such as structural, functional, and spatial information, amino acid conservation, physicochemical variation, residue mobility, and thermodynamic stability) indicates that this missense variant is not expected to disrupt RELN protein function with a negative predictive value of 80%. In summary, the available evidence is currently insufficient to determine the role of this variant in disease. Therefore, it has been classified as a Variant of Uncertain Significance.

NM_005045.4(RELN):c.3130G>C (p.Asp1044His)

Gene: RELN (reelin; minus strand). Cytogenetic location: 7q22.1.
Variant type: single nucleotide variant.
Coding change: c.3130G>C on transcript NM_005045.4 (MANE Select); coding-DNA position 3130, G replaced by C.
Protein change: p.Asp1044His; replaces aspartic acid 1044 with histidine.
Molecular consequence: missense variant.
Genome position (GRCh38, 1-based): chr7:103,604,362, C>G on the plus strand (G>C on the coding strand, the complement: RELN is on the minus strand). VCF-style: chr7-103604362-C-G. GRCh37 (hg19) VCF-style: chr7-103244809-C-G.
Other names: c.3130G>C, p.Asp1044His (NM_173054.3); short protein forms D1044H.
Identifiers: ClinVar variation 4791744 (VCV004791744.1).